The following is an entry in ClinVar:

NM_013432.5(TONSL):c.3610_3611delinsTA (p.Pro1204Tyr)

Gene: TONSL (tonsoku like, DNA repair protein; minus strand). Cytogenetic location: 8q24.3.
Variant type: Indel.
Coding change: c.3610_3611delinsTA on transcript NM_013432.5 (MANE Select); coding-DNA positions 3610 to 3611, CC replaced by TA.
Protein change: p.Pro1204Tyr; replaces proline 1204 with tyrosine.
Molecular consequence: missense variant.
Genome position (GRCh38, 1-based): chr8:144,432,409-144,432,410, GG replaced by TA on the plus strand (CC replaced by TA on the coding strand, the reverse complement: TONSL is on the minus strand). VCF-style: chr8-144432409-GG-TA. GRCh37 (hg19) VCF-style: chr8-145657792-GG-TA.
Other names: short protein forms P1204Y.
Identifiers: ClinVar variation 1471602 (VCV001471602.5), dbSNP rs2130839950, ClinGen allele CA2573143019.

ClinVar aggregate classification (germline): Uncertain significance (1 of 4 stars; one submission).

Submission:

Labcorp Genetics (formerly Invitae), Labcorp
Classification: Uncertain significance. Last evaluated: 2022-08-19. Review status: criteria provided, single submitter. Criteria: Invitae Variant Classification Sherloc (09022015). Collection method: clinical testing. Allele origin: germline.
Comment: This sequence change replaces proline, which is neutral and non-polar, with tyrosine, which is neutral and polar, at codon 1204 of the TONSL protein (p.Pro1204Tyr). This variant is present in population databases (no rsID available, gnomAD 0.09%). This variant has not been reported in the literature in individuals affected with TONSL-related conditions. ClinVar contains an entry for this variant (Variation ID: 1471602). Algorithms developed to predict the effect of missense changes on protein structure and function are either unavailable or do not agree on the potential impact of this missense change (SIFT: "Not Available"; PolyPhen-2: "Benign"; Align-GVGD: "Not Available"). In summary, the available evidence is currently insufficient to determine the role of this variant in disease. Therefore, it has been classified as a Variant of Uncertain Significance.